The following is an entry in ClinVar:

ClinVar aggregate classification (germline): Uncertain significance (1 of 4 stars; one submission).

Conditions:
Hereditary cancer-predisposing syndrome. Also called: Neoplastic Syndromes, Hereditary; Tumor predisposition; Hereditary Cancer Syndrome; Hereditary neoplastic syndrome. Identifiers: Orphanet 140162, MedGen C0027672, MeSH D009386, MONDO:0015356.

Submission:

Ambry Genetics
Classification: Uncertain significance for Hereditary cancer-predisposing syndrome. Last evaluated: 2026-04-29. Review status: criteria provided, single submitter. Criteria: Ambry Variant Classification Scheme 2023. Collection method: clinical testing. Allele origin: germline.
Comment: The p.Y576D variant (also known as c.1726T>G), located in coding exon 16 of the TSC2 gene, results from a T to G substitution at nucleotide position 1726. The tyrosine at codon 576 is replaced by aspartic acid, an amino acid with highly dissimilar properties. This amino acid position is highly conserved in available vertebrate species. In addition, this alteration is predicted to be deleterious by in silico analysis. Based on the available evidence, the clinical significance of this variant remains unclear.

NM_000548.5(TSC2):c.1726T>G (p.Tyr576Asp)

Gene: TSC2 (TSC complex subunit 2; plus strand). Cytogenetic location: 16p13.3.
Variant type: single nucleotide variant.
Coding change: c.1726T>G on transcript NM_000548.5 (MANE Select); coding-DNA position 1726, T replaced by G.
Protein change: p.Tyr576Asp; replaces tyrosine 576 with aspartic acid.
Molecular consequence: missense variant.
Genome position (GRCh38, 1-based): chr16:2,070,465, T>G. VCF-style: chr16-2070465-T-G. GRCh37 (hg19) VCF-style: chr16-2120466-T-G.
Other names: c.1726T>G, p.Tyr576Asp (NM_001077183.3, NM_001114382.3, NM_001363528.2 and 6 more transcripts); c.1615T>G, p.Tyr539Asp (NM_001318827.2, NM_001406670.1, NM_001406678.1); c.1579T>G, p.Tyr527Asp (NM_001318829.2, NM_001406675.1, NM_001406676.1 and 1 more transcripts); c.1126T>G, p.Tyr376Asp (NM_001318831.2, NM_001406685.1, NM_001406686.1 and 6 more transcripts); c.1759T>G, p.Tyr587Asp (NM_001318832.2); c.1816T>G, p.Tyr606Asp (NM_001406667.1, NM_001406668.1); c.1714T>G, p.Tyr572Asp (NM_001406671.1, NM_001406673.1); c.382T>G, p.Tyr128Asp (NM_001406689.1, NM_001406690.1, NM_001406691.1 and 6 more transcripts); and 3 more; short protein forms Y128D, Y42D, Y572D, Y422D, Y527D, Y539D, Y376D, Y587D.
Identifiers: ClinVar variation 1778873 (VCV001778873.3), dbSNP rs2151277938, ClinGen allele CA394272676.